The following continues an entry in ClinVar:

NM_000228.3(LAMB3):c.2554A>T (p.Met852Leu)

Gene: LAMB3. ClinVar aggregate classification (germline): Benign. Benign (10).

Submissions 26 to 61 of 72:

Dr. Peter K. Rogan Lab, Western University
No classification provided (evidence only). Condition: Familial pancreatic carcinoma. Review status: no classification provided. Collection method: in vitro. Allele origin: not applicable. Functional consequence: retained intron. Not counted in ClinVar's aggregate classification.

Dr. Peter K. Rogan Lab, Western University
No classification provided (evidence only). Condition: Familial pancreatic carcinoma. Review status: no classification provided. Collection method: in vitro. Allele origin: not applicable. Functional consequence: retained intron. Not counted in ClinVar's aggregate classification.

Dr. Peter K. Rogan Lab, Western University
No classification provided (evidence only). Condition: Familial pancreatic carcinoma. Review status: no classification provided. Collection method: in vitro. Allele origin: not applicable. Functional consequence: skipped exon, retained intron. Not counted in ClinVar's aggregate classification.

Dr. Peter K. Rogan Lab, Western University
No classification provided (evidence only). Condition: Familial pancreatic carcinoma. Review status: no classification provided. Collection method: in vitro. Allele origin: not applicable. Functional consequence: retained intron. Not counted in ClinVar's aggregate classification.

Dr. Peter K. Rogan Lab, Western University
No classification provided (evidence only). Condition: Familial pancreatic carcinoma. Review status: no classification provided. Collection method: in vitro. Allele origin: not applicable. Functional consequence: skipped exon, retained intron. Not counted in ClinVar's aggregate classification.

Dr. Peter K. Rogan Lab, Western University
No classification provided (evidence only). Condition: Familial pancreatic carcinoma. Review status: no classification provided. Collection method: in vitro. Allele origin: not applicable. Functional consequence: retained intron. Not counted in ClinVar's aggregate classification.

Dr. Peter K. Rogan Lab, Western University
No classification provided (evidence only). Condition: Familial pancreatic carcinoma. Review status: no classification provided. Collection method: in vitro. Allele origin: not applicable. Functional consequence: retained intron. Not counted in ClinVar's aggregate classification.

Dr. Peter K. Rogan Lab, Western University
No classification provided (evidence only). Condition: Familial pancreatic carcinoma. Review status: no classification provided. Collection method: in vitro. Allele origin: not applicable. Functional consequence: retained intron. Not counted in ClinVar's aggregate classification.

Dr. Peter K. Rogan Lab, Western University
No classification provided (evidence only). Condition: Familial cancer of breast. Review status: no classification provided. Collection method: in vitro. Allele origin: not applicable. Functional consequence: skipped exon. Not counted in ClinVar's aggregate classification.

Dr. Peter K. Rogan Lab, Western University
No classification provided (evidence only). Condition: Colorectal cancer. Review status: no classification provided. Collection method: in vitro. Allele origin: not applicable. Functional consequence: retained intron. Not counted in ClinVar's aggregate classification.

Dr. Peter K. Rogan Lab, Western University
No classification provided (evidence only). Condition: Colorectal cancer. Review status: no classification provided. Collection method: in vitro. Allele origin: not applicable. Functional consequence: retained intron. Not counted in ClinVar's aggregate classification.

Dr. Peter K. Rogan Lab, Western University
No classification provided (evidence only). Condition: Colorectal cancer. Review status: no classification provided. Collection method: in vitro. Allele origin: not applicable. Functional consequence: retained intron. Not counted in ClinVar's aggregate classification.

Dr. Peter K. Rogan Lab, Western University
No classification provided (evidence only). Condition: Colorectal cancer. Review status: no classification provided. Collection method: in vitro. Allele origin: not applicable. Functional consequence: retained intron. Not counted in ClinVar's aggregate classification.

Dr. Peter K. Rogan Lab, Western University
No classification provided (evidence only). Condition: Colorectal cancer. Review status: no classification provided. Collection method: in vitro. Allele origin: not applicable. Functional consequence: skipped exon, retained intron. Not counted in ClinVar's aggregate classification.

Dr. Peter K. Rogan Lab, Western University
No classification provided (evidence only). Condition: Colorectal cancer. Review status: no classification provided. Collection method: in vitro. Allele origin: not applicable. Functional consequence: retained intron. Not counted in ClinVar's aggregate classification.

Dr. Peter K. Rogan Lab, Western University
No classification provided (evidence only). Condition: Colorectal cancer. Review status: no classification provided. Collection method: in vitro. Allele origin: not applicable. Functional consequence: skipped exon. Not counted in ClinVar's aggregate classification.

Dr. Peter K. Rogan Lab, Western University
No classification provided (evidence only). Condition: Colorectal cancer. Review status: no classification provided. Collection method: in vitro. Allele origin: not applicable. Functional consequence: skipped exon, retained intron. Not counted in ClinVar's aggregate classification.

Dr. Peter K. Rogan Lab, Western University
No classification provided (evidence only). Condition: Colorectal cancer. Review status: no classification provided. Collection method: in vitro. Allele origin: not applicable. Functional consequence: retained intron. Not counted in ClinVar's aggregate classification.

Dr. Peter K. Rogan Lab, Western University
No classification provided (evidence only). Condition: Familial pancreatic carcinoma. Review status: no classification provided. Collection method: in vitro. Allele origin: not applicable. Functional consequence: skipped exon, retained intron. Not counted in ClinVar's aggregate classification.

Dr. Peter K. Rogan Lab, Western University
No classification provided (evidence only). Condition: Familial pancreatic carcinoma. Review status: no classification provided. Collection method: in vitro. Allele origin: not applicable. Functional consequence: retained intron. Not counted in ClinVar's aggregate classification.

Dr. Peter K. Rogan Lab, Western University
No classification provided (evidence only). Condition: Familial pancreatic carcinoma. Review status: no classification provided. Collection method: in vitro. Allele origin: not applicable. Functional consequence: retained intron. Not counted in ClinVar's aggregate classification.

Dr. Peter K. Rogan Lab, Western University
No classification provided (evidence only). Condition: Familial pancreatic carcinoma. Review status: no classification provided. Collection method: in vitro. Allele origin: not applicable. Functional consequence: retained intron. Not counted in ClinVar's aggregate classification.

Dr. Peter K. Rogan Lab, Western University
No classification provided (evidence only). Condition: Familial pancreatic carcinoma. Review status: no classification provided. Collection method: in vitro. Allele origin: not applicable. Functional consequence: retained intron. Not counted in ClinVar's aggregate classification.

Dr. Peter K. Rogan Lab, Western University
No classification provided (evidence only). Condition: Familial pancreatic carcinoma. Review status: no classification provided. Collection method: in vitro. Allele origin: not applicable. Functional consequence: retained intron. Not counted in ClinVar's aggregate classification.

Dr. Peter K. Rogan Lab, Western University
No classification provided (evidence only). Condition: Familial pancreatic carcinoma. Review status: no classification provided. Collection method: in vitro. Allele origin: not applicable. Functional consequence: retained intron. Not counted in ClinVar's aggregate classification.

Dr. Peter K. Rogan Lab, Western University
No classification provided (evidence only). Condition: Familial pancreatic carcinoma. Review status: no classification provided. Collection method: in vitro. Allele origin: not applicable. Functional consequence: retained intron. Not counted in ClinVar's aggregate classification.

Dr. Peter K. Rogan Lab, Western University
No classification provided (evidence only). Condition: Familial pancreatic carcinoma. Review status: no classification provided. Collection method: in vitro. Allele origin: not applicable. Functional consequence: retained intron. Not counted in ClinVar's aggregate classification.

Dr. Peter K. Rogan Lab, Western University
No classification provided (evidence only). Condition: Familial pancreatic carcinoma. Review status: no classification provided. Collection method: in vitro. Allele origin: not applicable. Functional consequence: retained intron. Not counted in ClinVar's aggregate classification.

Dr. Peter K. Rogan Lab, Western University
No classification provided (evidence only). Condition: Ovarian cancer. Review status: no classification provided. Collection method: in vitro. Allele origin: not applicable. Functional consequence: retained intron. Not counted in ClinVar's aggregate classification.

Dr. Peter K. Rogan Lab, Western University
No classification provided (evidence only). Condition: Ovarian cancer. Review status: no classification provided. Collection method: in vitro. Allele origin: not applicable. Functional consequence: retained intron. Not counted in ClinVar's aggregate classification.

Dr. Peter K. Rogan Lab, Western University
No classification provided (evidence only). Condition: Ovarian cancer. Review status: no classification provided. Collection method: in vitro. Allele origin: not applicable. Functional consequence: retained intron. Not counted in ClinVar's aggregate classification.

Dr. Peter K. Rogan Lab, Western University
No classification provided (evidence only). Condition: Ovarian cancer. Review status: no classification provided. Collection method: in vitro. Allele origin: not applicable. Functional consequence: skipped exon, retained intron. Not counted in ClinVar's aggregate classification.

Dr. Peter K. Rogan Lab, Western University
No classification provided (evidence only). Condition: Ovarian cancer. Review status: no classification provided. Collection method: in vitro. Allele origin: not applicable. Functional consequence: retained intron. Not counted in ClinVar's aggregate classification.

Dr. Peter K. Rogan Lab, Western University
No classification provided (evidence only). Condition: Ovarian cancer. Review status: no classification provided. Collection method: in vitro. Allele origin: not applicable. Functional consequence: retained intron. Not counted in ClinVar's aggregate classification.

Dr. Peter K. Rogan Lab, Western University
No classification provided (evidence only). Condition: Ovarian cancer. Review status: no classification provided. Collection method: in vitro. Allele origin: not applicable. Functional consequence: skipped exon, retained intron. Not counted in ClinVar's aggregate classification.

Dr. Peter K. Rogan Lab, Western University
No classification provided (evidence only). Condition: Ovarian cancer. Review status: no classification provided. Collection method: in vitro. Allele origin: not applicable. Functional consequence: retained intron. Not counted in ClinVar's aggregate classification.